The following is an entry in ClinVar:

NM_194454.3(KRIT1):c.1606A>T (p.Arg536Ter)

Gene: KRIT1 (KRIT1 ankyrin repeat containing; minus strand). Cytogenetic location: 7q21.2.
Variant type: single nucleotide variant.
Coding change: c.1606A>T on transcript NM_194454.3 (MANE Select); coding-DNA position 1606, A replaced by T.
Protein change: p.Arg536Ter; replaces arginine 536 with a stop codon.
Molecular consequence: nonsense.
Genome position (GRCh38, 1-based): chr7:92,214,735, T>A on the plus strand (A>T on the coding strand, the complement: KRIT1 is on the minus strand). VCF-style: chr7-92214735-T-A. GRCh37 (hg19) VCF-style: chr7-91844049-T-A.
Other names: c.1462A>T, p.Arg488Ter (NM_001013406.2, NM_001350669.1, NM_001350670.1); c.892A>T, p.Arg298Ter (NM_001350671.1); c.1606A>T, p.Arg536Ter (NM_001350672.1, NM_001350673.1, NM_001350674.1 and 26 more transcripts); short protein forms R298*, R488*, R536*.
Identifiers: ClinVar variation 2629774 (VCV002629774.1), dbSNP rs776024669, ClinGen allele CA368142331.

ClinVar aggregate classification (germline): Likely pathogenic (1 of 4 stars; one submission).

Conditions:
KRIT1-related disorder. Also called: KRIT1-related condition; KRIT1-related disorders.

Submission:

PreventionGenetics, part of Exact Sciences
Classification: Likely pathogenic for KRIT1-related condition. Last evaluated: 2023-01-19. Review status: criteria provided, single submitter. Criteria: ACMG Guidelines, 2015. Collection method: clinical testing. Allele origin: germline.
Comment: The KRIT1 c.1606A>T variant is predicted to result in premature protein termination (p.Arg536*). To our knowledge, this variant has not been reported in the literature or in a large population database, indicating this variant is rare. Nonsense variants in KRIT1 are expected to be pathogenic. This variant is interpreted as likely pathogenic.